The following is an entry in ClinVar:

NM_015047.3(EMC1):c.1433-3C>G

Genes: EMC1 (ER membrane protein complex subunit 1; minus strand), EMC1-AS1 (EMC1 antisense RNA 1; plus strand). Cytogenetic location: 1p36.13.
Variant type: single nucleotide variant.
Coding change: c.1433-3C>G on transcript NM_015047.3 (MANE Select); 3 bases into the intron before coding-DNA position 1433, C replaced by G.
Molecular consequence: intron variant.
Genome position (GRCh38, 1-based): chr1:19,233,138, G>C on the plus strand (C>G on the coding strand, the complement: EMC1 is on the minus strand). VCF-style: chr1-19233138-G-C. GRCh37 (hg19) VCF-style: chr1-19559632-G-C.
Other names: c.1367-3C>G (NM_001271429.2); c.1430-3C>G (NM_001271427.2, NM_001271428.2); c.1439-3C>G (NM_001375821.1); c.1442-3C>G (NM_001375820.1).
Identifiers: ClinVar variation 3607385 (VCV003607385.2).

ClinVar aggregate classification (germline): Uncertain significance (1 of 4 stars; one submission).

gnomAD v4.1: 107 of 1,612,768 alleles (0.0066%); highest among the groups gnomAD compares: Non-Finnish European, 0.0088%; no homozygotes.

Submission:

Labcorp Genetics (formerly Invitae), Labcorp
Classification: Uncertain significance. Last evaluated: 2025-05-05. Review status: criteria provided, single submitter. Criteria: Invitae Variant Classification Sherloc (09022015). Collection method: clinical testing. Allele origin: germline.
Comment: This sequence change falls in intron 13 of the EMC1 gene. It does not directly change the encoded amino acid sequence of the EMC1 protein. It affects a nucleotide within the consensus splice site. This variant is present in population databases (rs750043864, gnomAD 0.006%). This variant has not been reported in the literature in individuals affected with EMC1-related conditions. ClinVar contains an entry for this variant (Variation ID: 3607385). Variants that disrupt the consensus splice site are a relatively common cause of aberrant splicing (PMID: 17576681, 9536098). Algorithms developed to predict the effect of sequence changes on RNA splicing suggest that this variant may disrupt the consensus splice site. In summary, the available evidence is currently insufficient to determine the role of this variant in disease. Therefore, it has been classified as a Variant of Uncertain Significance.

Literature cited by the submitters: PubMed 17576681; PubMed 9536098.